The following is an entry in ClinVar:

NM_000287.4(PEX6):c.2154_2155del (p.Glu719fs)

Gene: PEX6 (peroxisomal biogenesis factor 6; minus strand). Cytogenetic location: 6p21.1.
Variant type: Deletion.
Coding change: c.2154_2155del on transcript NM_000287.4 (MANE Select); coding-DNA positions 2154 to 2155, 2 bases deleted (GG; older notation c.2154_2155delGG).
Protein change: p.Glu719fs; shifts the reading frame from glutamic acid 719.
Molecular consequence: frameshift variant.
Genome position (GRCh38, 1-based): chr6:42,966,387-42,966,388, CC deleted on the plus strand (GG on the coding strand, the reverse complement: PEX6 is on the minus strand). VCF-style (leftmost placement, unchanged base first): chr6-42966386-TCC-T. GRCh37 (hg19) VCF-style: chr6-42934124-TCC-T.
Other names: c.1890_1891del, p.Glu631fs (NM_001316313.2); short protein forms E631fs, E719fs.
Identifiers: ClinVar variation 1725784 (VCV001725784.2), dbSNP rs2481208712, ClinGen allele CA2580074625.

ClinVar aggregate classification (germline): Likely pathogenic (1 of 4 stars; one submission).

Conditions:
Peroxisome biogenesis disorder 4A (Zellweger) (PBD4A). Also called: Zellweger syndrome spectrum (PEX6-related). Identifiers: Orphanet 912, MedGen C3553936, MONDO:0013930, OMIM 614862. Disease mechanism: loss of function.

Submission:

Myriad Genetics, Inc.
Classification: Likely pathogenic for Peroxisome biogenesis disorder 4A (Zellweger). Last evaluated: 2022-04-01. Review status: criteria provided, single submitter. Criteria: Myriad Women's Health Autosomal Recessive and X-Linked Classification Criteria (2021). Collection method: clinical testing. Allele origin: unknown.
Comment: NM_000287.3(PEX6):c.2154_2155delGG(E719Dfs*10) is expected to be pathogenic in the context of peroxisome biogenesis disorder type 4. This variant is predicted to lead to an abnormal or absent protein product due to the creation of a premature termination codon in PEX6, a gene where loss-of-function variants are known to be pathogenic. Please note: this variant was assessed in the context of healthy population screening.